The following is an entry in ClinVar:

NM_002449.5(MSX2):c.380-164_380-161del

Gene: MSX2 (msh homeobox 2; plus strand). Cytogenetic location: 5q35.2.
Variant type: Deletion.
Coding change: c.380-164_380-161del on transcript NM_002449.5 (MANE Select); 164 bases into the intron before coding-DNA position 380 through 161 bases into the intron before coding-DNA position 380, 4 bases deleted (GTAT; older notation c.380-164_380-161delGTAT).
Genome position (GRCh38, 1-based): chr5:174,728,995-174,728,998, GTAT deleted; deleting any 4 consecutive bases within chr5:174,728,994-174,728,998 gives the same sequence; the c. name uses the placement nearest the transcript's 3' end. VCF-style (leftmost placement, unchanged base first): chr5-174728993-GTGTA-G. GRCh37 (hg19) VCF-style: chr5-174155996-GTGTA-G.
Other names: c.*4-164_*4-161del (NM_001363626.2).
Identifiers: ClinVar variation 1691781 (VCV001691781.2), dbSNP rs1340198060, ClinGen allele CA564857306.

ClinVar aggregate classification (germline): Likely benign (1 of 4 stars; one submission).

Submission:

GeneDx
Classification: Likely benign. Last evaluated: 2020-12-26. Review status: criteria provided, single submitter. Criteria: GeneDx Variant Classification Process June 2021. Collection method: clinical testing. Allele origin: germline. Affected: yes.
Comment: See Variant Classification Assertion Criteria.